The following is an entry in ClinVar:

ClinVar aggregate classification (germline): Uncertain significance (1 of 4 stars; one submission).

Conditions:
EAST syndrome (SESAMES). Also called: SEIZURES, SENSORINEURAL DEAFNESS, ATAXIA, IMPAIRED INTELLECTUAL DEVELOPMENT, AND ELECTROLYTE IMBALANCE. Identifiers: Orphanet 199343, MedGen C2748572, MONDO:0013005, OMIM 612780.

Submission:

Labcorp Genetics (formerly Invitae), Labcorp
Classification: Uncertain significance for EAST syndrome. Last evaluated: 2026-02-01. Review status: criteria provided, single submitter. Criteria: Invitae Variant Classification Sherloc (09022015). Collection method: clinical testing. Allele origin: germline.
Comment: This sequence change replaces alanine, which is neutral and non-polar, with threonine, which is neutral and polar, at codon 167 of the KCNJ10 protein (p.Ala167Thr). This variant is not present in population databases (gnomAD no frequency). This variant has not been reported in the literature in individuals affected with KCNJ10-related conditions. Invitae Evidence Modeling of protein sequence and biophysical properties (such as structural, functional, and spatial information, amino acid conservation, physicochemical variation, residue mobility, and thermodynamic stability) has been performed for this missense variant. However, the output from this modeling did not meet the statistical confidence thresholds required to predict the impact of this variant on KCNJ10 protein function. This variant disrupts the p.Ala167 amino acid residue in KCNJ10. Other variant(s) that disrupt this residue have been determined to be pathogenic (PMID: 19289823, 20678478, 20807765, 24193250). This suggests that this residue is clinically significant, and that variants that disrupt this residue are likely to be disease-causing. In summary, the available evidence is currently insufficient to determine the role of this variant in disease. Therefore, it has been classified as a Variant of Uncertain Significance.

Literature cited by the submitters: PubMed 19289823; PubMed 20678478; PubMed 20807765; PubMed 24193250.

NM_002241.5(KCNJ10):c.499G>A (p.Ala167Thr)

Gene: KCNJ10 (potassium inwardly rectifying channel subfamily J member 10; minus strand). Cytogenetic location: 1q23.2.
Variant type: single nucleotide variant.
Coding change: c.499G>A on transcript NM_002241.5 (MANE Select); coding-DNA position 499, G replaced by A.
Protein change: p.Ala167Thr; replaces alanine 167 with threonine.
Molecular consequence: missense variant.
Genome position (GRCh38, 1-based): chr1:160,042,034, C>T on the plus strand (G>A on the coding strand, the complement: KCNJ10 is on the minus strand). VCF-style: chr1-160042034-C-T. GRCh37 (hg19) VCF-style: chr1-160011824-C-T.
Other names: short protein forms A167T.
Identifiers: ClinVar variation 4697701 (VCV004697701.1).